The following is an entry in ClinVar:

ClinVar aggregate classification (germline): Conflicting classifications of pathogenicity. Review status: criteria provided, conflicting classifications (1 of 4 stars). 6 submissions from 6 submitters: Uncertain significance (5); Likely benign (1). Last evaluated 2025-01-15.

Conditions:
Hereditary breast ovarian cancer syndrome. Also called: Hereditary breast and ovarian cancer; Hereditary breast and ovarian cancer syndrome (HBOC); BRCA1- and BRCA2-Associated Hereditary Breast and Ovarian Cancer; Breast and ovarian cancer; Hereditary breast and ovarian cancer syndrome; Hereditary breast and/or ovarian cancer syndrome. Identifiers: Orphanet 145, MedGen C0677776, MeSH D061325, MONDO:0003582. Disease mechanism: loss of function.
Breast-ovarian cancer, familial, susceptibility to, 2 (BROVCA2). Also called: BRCA2 Hereditary Breast and Ovarian Cancer. Identifiers: Orphanet 145, MedGen C2675520, MONDO:0012933, OMIM 612555. Disease mechanism: loss of function.
Hereditary cancer-predisposing syndrome. Also called: Tumor predisposition; Hereditary neoplastic syndrome; Neoplastic Syndromes, Hereditary; Hereditary Cancer Syndrome. Identifiers: Orphanet 140162, MedGen C0027672, MeSH D009386, MONDO:0015356.

Allele frequency attached by ClinVar (database versions not stated): gnomAD exomes below 0.00001.
gnomAD v4.1: 1 of 1,599,722 alleles (0.000063%); highest among the groups gnomAD compares: Non-Finnish European, 0.000085%; no homozygotes.

Submissions (6):

Ambry Genetics
Classification: Uncertain significance for Hereditary cancer-predisposing syndrome. Last evaluated: 2025-01-15. Review status: criteria provided, single submitter. Criteria: Ambry Variant Classification Scheme 2023. Collection method: clinical testing. Allele origin: germline.
Comment: The p.H1266R variant (also known as c.3797A>G), located in coding exon 10 of the BRCA2 gene, results from an A to G substitution at nucleotide position 3797. The histidine at codon 1266 is replaced by arginine, an amino acid with highly similar properties. This amino acid position is not well conserved in available vertebrate species. In addition, this alteration is predicted to be tolerated by in silico analysis. Since supporting evidence is limited at this time, the clinical significance of this alteration remains unclear.

Labcorp Genetics (formerly Invitae), Labcorp
Classification: Uncertain significance for Hereditary breast ovarian cancer syndrome. Last evaluated: 2024-04-06. Review status: criteria provided, single submitter. Criteria: Invitae Variant Classification Sherloc (09022015). Collection method: clinical testing. Allele origin: germline.
Comment: This sequence change replaces histidine, which is basic and polar, with arginine, which is basic and polar, at codon 1266 of the BRCA2 protein (p.His1266Arg). This variant is not present in population databases (gnomAD no frequency). This variant has not been reported in the literature in individuals affected with BRCA2-related conditions. ClinVar contains an entry for this variant (Variation ID: 938122). Advanced modeling of protein sequence and biophysical properties (such as structural, functional, and spatial information, amino acid conservation, physicochemical variation, residue mobility, and thermodynamic stability) performed at Invitae indicates that this missense variant is not expected to disrupt BRCA2 protein function with a negative predictive value of 95%. In summary, the available evidence is currently insufficient to determine the role of this variant in disease. Therefore, it has been classified as a Variant of Uncertain Significance.

All of Us Research Program, National Institutes of Health
Classification: Uncertain significance for Breast-ovarian cancer, familial, susceptibility to, 2. Last evaluated: 2023-08-15. Review status: criteria provided, single submitter. Criteria: ACMG Guidelines, 2015. Collection method: clinical testing. Allele origin: germline. Inheritance: Autosomal dominant inheritance. Observed: 1 variant allele, 1 heterozygote.
Comment: This missense variant replaces histidine with arginine at codon 1266 of the BRCA2 protein. Computational prediction suggests that this variant may not impact protein structure and function (internally defined REVEL score threshold <= 0.5, PMID: 27666373). To our knowledge, functional studies have not been reported for this variant. This variant has not been reported in individuals affected with BRCA2-related disorders in the literature. This variant has not been identified in the general population by the Genome Aggregation Database (gnomAD). The available evidence is insufficient to determine the role of this variant in disease conclusively. Therefore, this variant is classified as a Variant of Uncertain Significance.

This study involves interpretation of variants in research participants for the purpose of population health screening. Participant phenotype was not available at the time of variant classification. Additional details can be found in publication PMID: 35346344, PMCID: PMC8962531

Color Diagnostics, LLC DBA Color Health
Classification: Uncertain significance for Hereditary cancer-predisposing syndrome. Last evaluated: 2023-07-26. Review status: criteria provided, single submitter. Criteria: ACMG Guidelines, 2015. Collection method: clinical testing. Allele origin: germline.
Comment: This missense variant replaces histidine with arginine at codon 1266 of the BRCA2 protein. Computational prediction suggests that this variant may not impact protein structure and function (internally defined REVEL score threshold <= 0.5, PMID: 27666373). To our knowledge, functional studies have not been reported for this variant. This variant has not been reported in individuals affected with BRCA2-related disorders in the literature. This variant has not been identified in the general population by the Genome Aggregation Database (gnomAD). The available evidence is insufficient to determine the role of this variant in disease conclusively. Therefore, this variant is classified as a Variant of Uncertain Significance.

University of Washington Department of Laboratory Medicine, University of Washington
Classification: Likely benign for Hereditary cancer-predisposing syndrome. Last evaluated: 2023-03-23. Review status: criteria provided, single submitter. Criteria: Dines et al. (Genet Med. 2020). Collection method: curation. Allele origin: germline.
Comment: Missense variant in a coldspot region where missense variants are very unlikely to be pathogenic (PMID:31911673).

BRCA2 exon 11 coldspot. Reclassification based on statistical prior probability.

Women's Health and Genetics/Laboratory Corporation of America, LabCorp
Classification: Uncertain significance. Last evaluated: 2022-09-02. Review status: criteria provided, single submitter. Criteria: LabCorp Variant Classification Summary - May 2015. Collection method: clinical testing. Allele origin: germline.

NM_000059.4(BRCA2):c.3797A>G (p.His1266Arg)

Gene: BRCA2 (BRCA2 DNA repair associated; plus strand). Cytogenetic location: 13q13.1.
Variant type: single nucleotide variant.
Coding change: c.3797A>G on transcript NM_000059.4 (MANE Select); coding-DNA position 3797, A replaced by G.
Protein change: p.His1266Arg; replaces histidine 1266 with arginine.
Molecular consequence: missense variant.
Genome position (GRCh38, 1-based): chr13:32,338,152, A>G. VCF-style: chr13-32338152-A-G. GRCh37 (hg19) VCF-style: chr13-32912289-A-G.
Other names: short protein forms H1266R.
Identifiers: ClinVar variation 938122 (VCV000938122.18), dbSNP rs1555283399, ClinGen allele CA387778398.
Genomic context (GRCh38, chr13:32,338,152, plus strand): 5'-ATATTAGTGAGGAAACTTCTGCAGAGGTACATCCAATAAGTTTATCTTCAAGTAAATGTC[A>G]TGATTCTGTTGTTTCAATGTTTAAGATAGAAAATCATAATGATAAAACTGTAAGTGAAAA-3'
Protein context (NP_000050.3, residues 1256-1276): HPISLSSSKC[His1266Arg]DSVVSMFKIE